The following is an entry in ClinVar:

ClinVar aggregate classification (germline): Uncertain significance (1 of 4 stars; one submission).

Conditions:
Hereditary pheochromocytoma and paraganglioma. Also called: Hereditary paragangliomas and pheochromocytomas; Hereditary Paraganglioma-Pheochromocytoma Syndromes; Hereditary pheochromocytoma-paraganglioma. Identifiers: Orphanet 29072, MedGen C4274332, MONDO:0017366.

gnomAD v4.1: 2 of 1,599,106 alleles (0.00013%); highest among the groups gnomAD compares: Non-Finnish European, 0.00017%; no homozygotes.

Submission:

Labcorp Genetics (formerly Invitae), Labcorp
Classification: Uncertain significance for Hereditary pheochromocytoma and paraganglioma. Last evaluated: 2024-10-27. Review status: criteria provided, single submitter. Criteria: Invitae Variant Classification Sherloc (09022015). Collection method: clinical testing. Allele origin: germline.
Comment: This sequence change falls in intron 1 of the MAX gene. It does not directly change the encoded amino acid sequence of the MAX protein. It affects a nucleotide within the consensus splice site. This variant is not present in population databases (gnomAD no frequency). This variant has not been reported in the literature in individuals affected with MAX-related conditions. Variants that disrupt the consensus splice site are a relatively common cause of aberrant splicing (PMID: 17576681, 9536098). Algorithms developed to predict the effect of sequence changes on RNA splicing suggest that this variant is not likely to affect RNA splicing. In summary, the available evidence is currently insufficient to determine the role of this variant in disease. Therefore, it has been classified as a Variant of Uncertain Significance.

Literature cited by the submitters: PubMed 17576681; PubMed 9536098.

NM_002382.5(MAX):c.37-3C>T

Gene: MAX (MYC associated transcriptional regulator X; minus strand). Cytogenetic location: 14q23.3.
Variant type: single nucleotide variant.
Coding change: c.37-3C>T on transcript NM_002382.5 (MANE Select); 3 bases into the intron before coding-DNA position 37, C replaced by T.
Molecular consequence: intron variant. On other transcripts: synonymous variant (1), non-coding transcript variant (1).
Genome position (GRCh38, 1-based): chr14:65,101,575, G>A on the plus strand (C>T on the coding strand, the complement: MAX is on the minus strand). VCF-style: chr14-65101575-G-A. GRCh37 (hg19) VCF-style: chr14-65568293-G-A.
Other names: c.57C>T, p.Ser19= (NM_001407114.1); c.36+729C>T (NM_001271069.2, NM_001407095.1, NM_001407110.1 and 9 more transcripts); c.37-3C>T (NM_197957.4, NM_001407094.1, NM_001407104.1 and 6 more transcripts); c.-305+934C>T (NM_001407112.1); c.-238-3C>T (NM_001407106.1, NM_001320415.2, NM_001407105.1); c.-212+729C>T (NM_001407107.1); c.-331-3C>T (NM_001407111.1).
Identifiers: ClinVar variation 3697754 (VCV003697754.2).
Genomic context (GRCh38, chr14:65,101,575, plus strand): 5'-ATAAAAATGAAATGGAGAGTAGGAGACGTACCGCAGATTGAAACCTCGGTTGCTCTTCCT[G>A]GAATAAGAGAGAAAAAAAAAAATAGAAAATATAGAAGTTATTTTTACACTTAACATTCAA-3'